The following is an entry in ClinVar:

NM_031407.7(HUWE1):c.2429A>G (p.Asn810Ser)

Gene: HUWE1 (HECT, UBA and WWE domain containing E3 ubiquitin protein ligase 1; minus strand). Cytogenetic location: Xp11.22.
Variant type: single nucleotide variant.
Coding change: c.2429A>G on transcript NM_031407.7 (MANE Select); coding-DNA position 2429, A replaced by G.
Protein change: p.Asn810Ser; replaces asparagine 810 with serine.
Molecular consequence: missense variant.
Genome position (GRCh38, 1-based): chrX:53,607,590, T>C on the plus strand (A>G on the coding strand, the complement: HUWE1 is on the minus strand). VCF-style: chrX-53607590-T-C. GRCh37 (hg19) VCF-style: chrX-53634551-T-C.
Other names: short protein forms N810S.
Identifiers: ClinVar variation 3236601 (VCV003236601.1), dbSNP rs2527045183, ClinGen allele CA413181781.
Genomic context (GRCh38, chrX:53,607,590, plus strand): 5'-GATTTGCAGACACCTGCAACAGCCTGACAGGCAGCAGATGTGGGAAAGTCAATGGGCAGA[T>C]TGGGAAGACCCAAAATGGTAACCAAAGGCAACAGTCCTTTCTGATTCACAAATTCCTGGC-3'
Protein context (NP_113584.3, residues 800-820): LPLVTILGLP[Asn810Ser]LPIDFPTSAA

ClinVar aggregate classification (germline): Uncertain significance (1 of 4 stars; one submission).

Conditions:
Intellectual developmental disorder, X-linked, syndromic, Turner type. Also called: X-linked intellectual disability, Turner type; Intellectual disability, X-linked syndromic, Turner type. Identifiers: Orphanet 3056, Orphanet 85328, MedGen C2678046, MONDO:0010407, OMIM 309590.

Submission:

Clinical Genomics Laboratory, Washington University in St. Louis
Classification: Uncertain significance for Intellectual developmental disorder, X-linked, syndromic, Turner type. Last evaluated: 2024-02-03. Review status: criteria provided, single submitter. Criteria: ACMG Guidelines, 2015. Collection method: clinical testing. Allele origin: germline.
Comment: The HUWE1 c.2429A>G (p.Asn810Ser) variant, to our knowledge, has not been reported in the medical literature and is absent from the general population (gnomAD v.2.1.1), indicating it is not a common variant. Computational predictors suggest that the variant does not impact HUWE1 function. Due to limited information, and based on ACMG/AMP guidelines for variant interpretation (Richards S et al., PMID: 25741868), the clinical significance of this variant is uncertain at this time.